The following is an entry in ClinVar:

NM_000836.4(GRIN2D):c.3442C>T (p.Pro1148Ser)

Gene: GRIN2D (glutamate ionotropic receptor NMDA type subunit 2D; plus strand). Cytogenetic location: 19q13.33.
Variant type: single nucleotide variant.
Coding change: c.3442C>T on transcript NM_000836.4 (MANE Select); coding-DNA position 3442, C replaced by T.
Protein change: p.Pro1148Ser; replaces proline 1148 with serine.
Molecular consequence: missense variant.
Genome position (GRCh38, 1-based): chr19:48,443,368, C>T. VCF-style: chr19-48443368-C-T. GRCh37 (hg19) VCF-style: chr19-48946625-C-T.
Other names: short protein forms P1148S.
Identifiers: ClinVar variation 1461261 (VCV001461261.8), dbSNP rs1279573942, ClinGen allele CA406676250.

ClinVar aggregate classification (germline): Uncertain significance (1 of 4 stars; one submission).

Allele frequency attached by ClinVar (database versions not stated): gnomAD exomes below 0.00001; TOPMed 0.00003; gnomAD 0.00004 and 0.00005.
gnomAD v4.1: 9 of 1,493,050 alleles (0.0006%); highest among the groups gnomAD compares: African/African-American, 0.013%; no homozygotes.

Submission:

Labcorp Genetics (formerly Invitae), Labcorp
Classification: Uncertain significance. Last evaluated: 2025-07-09. Review status: criteria provided, single submitter. Criteria: Invitae Variant Classification Sherloc (09022015). Collection method: clinical testing. Allele origin: germline.
Comment: This sequence change replaces proline, which is neutral and non-polar, with serine, which is neutral and polar, at codon 1148 of the GRIN2D protein (p.Pro1148Ser). This variant is not present in population databases (gnomAD no frequency). This variant has not been reported in the literature in individuals affected with GRIN2D-related conditions. ClinVar contains an entry for this variant (Variation ID: 1461261). Invitae Evidence Modeling of protein sequence and biophysical properties (such as structural, functional, and spatial information, amino acid conservation, physicochemical variation, residue mobility, and thermodynamic stability) indicates that this missense variant is not expected to disrupt GRIN2D protein function with a negative predictive value of 95%. In summary, the available evidence is currently insufficient to determine the role of this variant in disease. Therefore, it has been classified as a Variant of Uncertain Significance.